The following is an entry in ClinVar:

NM_000543.5(SMPD1):c.1142C>T (p.Ser381Phe)

Gene: SMPD1 (sphingomyelin phosphodiesterase 1; plus strand). Cytogenetic location: 11p15.4.
Variant type: single nucleotide variant.
Coding change: c.1142C>T on transcript NM_000543.5 (MANE Select); coding-DNA position 1142, C replaced by T.
Protein change: p.Ser381Phe; replaces serine 381 with phenylalanine.
Molecular consequence: missense variant. On other transcripts: non-coding transcript variant (1), intron variant (1).
Genome position (GRCh38, 1-based): chr11:6,393,266, C>T. VCF-style: chr11-6393266-C-T. GRCh37 (hg19) VCF-style: chr11-6414496-C-T.
Other names: c.1139C>T, p.Ser380Phe (NM_001007593.3); c.1142C>T, p.Ser381Phe (NM_001318087.2); c.221C>T, p.Ser74Phe (NM_001318088.2); c.1132-351C>T (NM_001365135.2); short protein forms S380F, S381F, S74F.
Identifiers: ClinVar variation 4814344 (VCV004814344.1).

ClinVar aggregate classification (germline): Likely pathogenic (1 of 4 stars; one submission).

Conditions:
Niemann-Pick disease, type A. Also called: SPHINGOMYELIN LIPIDOSIS; SPHINGOMYELINASE DEFICIENCY; Infantile Neurovisceral ASMD (Niemann-Pick Disease Type A; NPD-A). Identifiers: Orphanet 77292, MedGen C0268242, MONDO:0009756, OMIM 257200. Disease mechanism: loss of function.

Submission:

Natera, Inc.
Classification: Likely pathogenic for Niemann-Pick Disease, Types A/B. Last evaluated: 2025-10-16. Review status: criteria provided, single submitter. Criteria: Natera Variant Classification Schema (03/2026). Collection method: clinical testing. Allele origin: germline.
Comment: The c.1142C>T variant in SMPD1 is a missense variant predicted to cause substitution of serine to phenylalanine at amino acid 381. This variant is rare in the general population with a frequency below the threshold expected for the associated phenotype(s). This variant has been observed in one or more individuals affected with the associated recessive disease, as either homozygous or compound heterozygous with a second variant (PMID: 30795770, 12712061). A different variant at the same position has been determined to be Pathogenic or Likely Pathogenic. Computational prediction algorithms indicate this variant is likely to affect gene or protein function. Given the available evidence, this variant is classified as Likely Pathogenic.

Literature cited by the submitters: PubMed 30795770; PubMed 12712061.